The following is an entry in ClinVar:

NM_001166114.2(PNPLA6):c.989A>G (p.Asn330Ser)

Gene: PNPLA6 (patatin like domain 6, lysophospholipase; plus strand). Cytogenetic location: 19p13.2.
Variant type: single nucleotide variant.
Coding change: c.989A>G on transcript NM_001166114.2 (MANE Select); coding-DNA position 989, A replaced by G.
Protein change: p.Asn330Ser; replaces asparagine 330 with serine.
Molecular consequence: missense variant.
Genome position (GRCh38, 1-based): chr19:7,541,418, A>G. VCF-style: chr19-7541418-A-G. GRCh37 (hg19) VCF-style: chr19-7606304-A-G.
Other names: c.1016A>G, p.Asn339Ser (NM_001166111.2); c.872A>G, p.Asn291Ser (NM_001166112.2, NM_001166113.1, NM_006702.5); short protein forms N330S, N291S, N339S.
Identifiers: ClinVar variation 1403761 (VCV001403761.8), dbSNP rs1183371584, ClinGen allele CA403108198.

ClinVar aggregate classification (germline): Uncertain significance (1 of 4 stars; one submission).

Conditions:
Hereditary spastic paraplegia 39 (SPG39). Also called: Spastic Paraplegia Type 39 (SPG39); SPASTIC PARAPLEGIA 39, AUTOSOMAL RECESSIVE. Identifiers: Orphanet 139480, MedGen C2677586, MONDO:0012787, OMIM 612020.

Allele frequency attached by ClinVar (database versions not stated): gnomAD exomes below 0.00001; gnomAD 0.00001.
gnomAD v4.1: 3 of 1,613,788 alleles (0.00019%); highest among the groups gnomAD compares: African/African-American, 0.0027%; no homozygotes.

Submission:

Labcorp Genetics (formerly Invitae), Labcorp
Classification: Uncertain significance for Hereditary spastic paraplegia 39. Last evaluated: 2023-04-05. Review status: criteria provided, single submitter. Criteria: Invitae Variant Classification Sherloc (09022015). Collection method: clinical testing. Allele origin: germline.
Comment: This sequence change replaces asparagine, which is neutral and polar, with serine, which is neutral and polar, at codon 291 of the PNPLA6 protein (p.Asn291Ser). This variant is present in population databases (no rsID available, gnomAD 0.005%). This variant has not been reported in the literature in individuals affected with PNPLA6-related conditions. ClinVar contains an entry for this variant (Variation ID: 1403761). Advanced modeling of protein sequence and biophysical properties (such as structural, functional, and spatial information, amino acid conservation, physicochemical variation, residue mobility, and thermodynamic stability) has been performed at Invitae for this missense variant, however the output from this modeling did not meet the statistical confidence thresholds required to predict the impact of this variant on PNPLA6 protein function. Algorithms developed to predict the effect of sequence changes on RNA splicing suggest that this variant may create or strengthen a splice site. In summary, the available evidence is currently insufficient to determine the role of this variant in disease. Therefore, it has been classified as a Variant of Uncertain Significance.